The following is an entry in ClinVar:

ClinVar aggregate classification (germline): Pathogenic. Review status: reviewed by expert panel (3 of 4 stars). 3 submissions from 3 submitters: Pathogenic (1). 2 of the submissions do not count toward it. Last evaluated 2023-12-02.

Conditions:
Monogenic diabetes. Identifiers: Orphanet 183625, MedGen C3888631, MONDO:0015967.

Submissions (3):

ClinGen Monogenic Diabetes Variant Curation Expert Panel
Classification: Pathogenic for Monogenic diabetes. Last evaluated: 2023-12-02. Review status: reviewed by expert panel. Criteria: ClinGen Diabetes ACMG Specifications HNF1A V2.1.0. Collection method: curation. Allele origin: germline. Inheritance: Autosomal dominant inheritance.
Comment: The c.526+1G>C variant in the HNF1 homeobox A gene, HNF1A, is predicted to remove a canonical splice donor site in intron 2 of NM_000545.8. This variant is predicted to cause loss of part of exon 2, leading to nonsense-mediated decay in a gene in which loss-of-function is an established disease mechanism (PVS1, PMID: 23348805). This variant is absent from gnomAD v2.1.1 (PM2_Supporting). This variant was identified in nine unrelated individuals with non-autoimmune and non-absolute/near-absolute insulin-deficient diabetes (PS4; PMIDs: 21242637, internal lab contributors), including an individual with a clinical history highly specific for HNF1A-MODY (MODY probability calculator result >50% and negative genetic testing for HNF4A) (PP4, internal lab contributor). This variant segregated with diabetes, with three informative meioses in three families (PP1_Moderate, internal lab collaborators). The HNF1A(NM_000545.8):c.526+1G>A variant at the same canonical nucleotide has been classified as pathogenic for monogenic diabetes by the ClinGen MDEP, and c.526+1G>C has a similar predicted impact by Splice AI (donor loss 100% and donor gain at -33 bp 64% vs. 65%). In summary, c.526+1G>C meets the criteria to be classified as pathogenic for monogenic diabetes. ACMG/AMP criteria applied, as specified by the ClinGen MDEP (specification version 2.1.1, approved 8/11/2023): PVS1, PS4, PP1_Moderate, PS1_Supporting, PP4, PM2_Supporting.

Labcorp Genetics (formerly Invitae), Labcorp
Classification: Pathogenic. Last evaluated: 2023-12-13. Review status: criteria provided, single submitter. Criteria: Invitae Variant Classification Sherloc (09022015). Collection method: clinical testing. Allele origin: germline. Not counted in ClinVar's aggregate classification.
Comment: This sequence change affects a donor splice site in intron 2 of the HNF1A gene. It is expected to disrupt RNA splicing. Variants that disrupt the donor or acceptor splice site typically lead to a loss of protein function (PMID: 16199547), and loss-of-function variants in HNF1A are known to be pathogenic (PMID: 15928245, 18003757). This variant is not present in population databases (gnomAD no frequency). Disruption of this splice site has been observed in individuals with maturity-onset diabetes of the young (PMID: 18003757, 31754975, 33477506). ClinVar contains an entry for this variant (Variation ID: 1338446). Algorithms developed to predict the effect of sequence changes on RNA splicing suggest that this variant may disrupt the consensus splice site. For these reasons, this variant has been classified as Pathogenic.

Genetic Services Laboratory, University of Chicago
Classification: Pathogenic. Last evaluated: 2018-10-02. Review status: criteria provided, single submitter. Criteria: ACMG Guidelines, 2015. Collection method: clinical testing. Allele origin: germline. Affected: yes. Not counted in ClinVar's aggregate classification.
Comment: DNA sequence analysis of the HNF1A gene demonstrated a sequence change in the canonical splice donor site site of intron 2, c.526+1G>C. This pathogenic sequence change has previously been described in a patients with HNF1A-related disorders (PMID: 18003757). This pathogenic sequence change is predicted to affect normal splicing of the HNF1A mRNA and result in a truncated protein. " DNA sequence analysis of the HNF1A gene demonstrated a sequence change in the canonical splice donor site site of intron 2, c.526+1G>C. This pathogenic sequence change has previously been described in a patients with HNF1A-related disorders (PMID: 18003757). This pathogenic sequence change is predicted to affect normal splicing of the HNF1A mRNA and result in a truncated protein.

Literature cited by the submitters: PubMed 16199547 (cited by Labcorp Genetics (formerly Invitae), Labcorp); PubMed 15928245 (cited by Labcorp Genetics (formerly Invitae), Labcorp); PubMed 18003757 (cited by Labcorp Genetics (formerly Invitae), Labcorp); PubMed 31754975 (cited by Labcorp Genetics (formerly Invitae), Labcorp); PubMed 33477506 (cited by Labcorp Genetics (formerly Invitae), Labcorp).

NM_000545.8(HNF1A):c.526+1G>C

Gene: HNF1A (HNF1 homeobox A; plus strand). Cytogenetic location: 12q24.31.
Variant type: single nucleotide variant.
Coding change: c.526+1G>C on transcript NM_000545.8 (MANE Select); the canonical splice donor site of the intron after coding-DNA position 526, G replaced by C.
Molecular consequence: splice donor variant.
Genome position (GRCh38, 1-based): chr12:120,989,033, G>C. VCF-style: chr12-120989033-G-C. GRCh37 (hg19) VCF-style: chr12-121426836-G-C.
Other names: c.526+1G>C (NM_001306179.2, NM_001406915.1).
Identifiers: ClinVar variation 1338446 (VCV001338446.8), dbSNP rs1364708195, ClinGen allele CA386960848.